The following is an entry in ClinVar:

NM_018124.4(RFWD3):c.1320G>C (p.Lys440Asn)

Gene: RFWD3 (ring finger and WD repeat domain 3; minus strand). Cytogenetic location: 16q23.1.
Variant type: single nucleotide variant.
Coding change: c.1320G>C on transcript NM_018124.4 (MANE Select); coding-DNA position 1320, G replaced by C.
Protein change: p.Lys440Asn; replaces lysine 440 with asparagine.
Molecular consequence: missense variant.
Genome position (GRCh38, 1-based): chr16:74,636,452, C>G on the plus strand (G>C on the coding strand, the complement: RFWD3 is on the minus strand). VCF-style: chr16-74636452-C-G. GRCh37 (hg19) VCF-style: chr16-74670350-C-G.
Other names: c.1320G>C, p.Lys440Asn (NM_001370534.1, NM_001370535.1, NM_001370536.1); c.486G>C, p.Lys162Asn (NM_001370537.1, NM_001370539.1, NM_001370540.1 and 3 more transcripts); short protein forms K162N, K440N.
Identifiers: ClinVar variation 1977557 (VCV001977557.5), dbSNP rs750147212, ClinGen allele CA8169251.

ClinVar aggregate classification (germline): Uncertain significance (1 of 4 stars; one submission).

Allele frequency attached by ClinVar (database versions not stated): gnomAD 0.00001; TOPMed below 0.00001.
gnomAD v4.1: 47 of 1,614,026 alleles (0.0029%); highest among the groups gnomAD compares: South Asian, 0.045%; no homozygotes.

Submission:

Labcorp Genetics (formerly Invitae), Labcorp
Classification: Uncertain significance. Last evaluated: 2026-01-07. Review status: criteria provided, single submitter. Criteria: Invitae Variant Classification Sherloc (09022015). Collection method: clinical testing. Allele origin: germline.
Comment: This sequence change replaces lysine, which is basic and polar, with asparagine, which is neutral and polar, at codon 440 of the RFWD3 protein (p.Lys440Asn). This variant is present in population databases (rs750147212, gnomAD 0.02%). This variant has not been reported in the literature in individuals affected with RFWD3-related conditions. ClinVar contains an entry for this variant (Variation ID: 1977557). An algorithm developed to predict the effect of missense changes on protein structure and function (PolyPhen-2) suggests that this variant is likely to be disruptive. In summary, the available evidence is currently insufficient to determine the role of this variant in disease. Therefore, it has been classified as a Variant of Uncertain Significance.